The following is an entry in ClinVar:

NM_000321.3(RB1):c.379A>T (p.Ser127Cys)

Gene: RB1 (RB transcriptional corepressor 1; plus strand). Cytogenetic location: 13q14.2.
Variant type: single nucleotide variant.
Coding change: c.379A>T on transcript NM_000321.3 (MANE Select); coding-DNA position 379, A replaced by T.
Protein change: p.Ser127Cys; replaces serine 127 with cysteine.
Molecular consequence: missense variant.
Genome position (GRCh38, 1-based): chr13:48,342,713, A>T. VCF-style: chr13-48342713-A-T. GRCh37 (hg19) VCF-style: chr13-48916849-A-T.
Other names: c.379A>T, p.Ser127Cys (NM_001407165.1, NM_001407166.1); short protein forms S127C.
Identifiers: ClinVar variation 3943318 (VCV003943318.1).

ClinVar aggregate classification (germline): Uncertain significance (1 of 4 stars; one submission).

Conditions:
Hereditary cancer-predisposing syndrome. Also called: Tumor predisposition; Hereditary neoplastic syndrome; Hereditary Cancer Syndrome; Neoplastic Syndromes, Hereditary. Identifiers: Orphanet 140162, MedGen C0027672, MeSH D009386, MONDO:0015356.

gnomAD v4.1: 1 of 1,583,806 alleles (0.000063%); highest among the groups gnomAD compares: Non-Finnish European, 0.000087%; no homozygotes.

Submission:

Ambry Genetics
Classification: Uncertain significance for Hereditary cancer-predisposing syndrome. Last evaluated: 2025-05-07. Review status: criteria provided, single submitter. Criteria: Ambry Variant Classification Scheme 2023. Collection method: clinical testing. Allele origin: germline.
Comment: The p.S127C variant (also known as c.379A>T), located in coding exon 3 of the RB1 gene, results from an A to T substitution at nucleotide position 379. The serine at codon 127 is replaced by cysteine, an amino acid with dissimilar properties. This amino acid position is highly conserved in available vertebrate species. In addition, the in silico prediction for this alteration is inconclusive. Based on the available evidence, the clinical significance of this variant remains unclear.